The following is an entry in ClinVar:

NM_001005324.1(OR10V1):c.350T>C (p.Val117Ala)

Gene: OR10V1 (olfactory receptor family 10 subfamily V member 1; minus strand). Cytogenetic location: 11q12.1.
Variant type: single nucleotide variant.
Coding change: c.350T>C on transcript NM_001005324.1 (MANE Select); coding-DNA position 350, T replaced by C.
Protein change: p.Val117Ala; replaces valine 117 with alanine.
Molecular consequence: missense variant.
Genome position (GRCh38, 1-based): chr11:59,713,496, A>G on the plus strand (T>C on the coding strand, the complement: OR10V1 is on the minus strand). VCF-style: chr11-59713496-A-G. GRCh37 (hg19) VCF-style: chr11-59480969-A-G.
Other names: short protein forms V117A.
Identifiers: ClinVar variation 1247627 (VCV001247627.3), dbSNP rs472177, ClinGen allele CA6020565.

ClinVar aggregate classification (germline): Benign. Review status: criteria provided, multiple submitters, no conflicts (2 of 4 stars). 2 submissions from 2 submitters: Benign (2). Last evaluated 2021-02-24.

Allele frequency attached by ClinVar (database versions not stated): gnomAD exomes 0.07423 and 0.10565; ExAC 0.10453; gnomAD 0.17216 and 0.18021; ESP Exome Variant Server 0.17711; 1000 Genomes Project 0.18690; TOPMed 0.18856; 1000 Genomes Project 30x 0.18957.

Submissions (2):

GeneDx
Classification: Benign. Last evaluated: 2021-02-24. Review status: criteria provided, single submitter. Criteria: GeneDx Variant Classification Process June 2021. Collection method: clinical testing. Allele origin: germline. Affected: yes.
Comment: This variant is associated with the following publications: (PMID: 32583022)

Breakthrough Genomics
Classification: Benign. Review status: criteria provided, single submitter. Criteria: ACMG Guidelines, 2015. Collection method: not provided. Allele origin: germline. Inheritance: Unknown mechanism. Affected: yes.